The following is an entry in ClinVar:

ClinVar aggregate classification (germline): Likely benign (1 of 4 stars; one submission).

gnomAD v4.1: 61 of 1,578,052 alleles (0.0039%); highest among the groups gnomAD compares: Admixed American, 0.015%; no homozygotes.

Submission:

CeGaT Center for Human Genetics Tuebingen
Classification: Likely benign. Last evaluated: 2026-04-01. Review status: criteria provided, single submitter. Criteria: CeGaT Center For Human Genetics Tuebingen Variant Classification Criteria Version 2. Collection method: clinical testing. Allele origin: germline. Affected: yes. Observed: 1 variant allele.
Comment: SMARCC1: BP4, BP7

NM_003074.4(SMARCC1):c.990G>A (p.Ser330=)

Gene: SMARCC1 (SWI/SNF related BAF chromatin remodeling complex subunit C1; minus strand). Cytogenetic location: 3p21.31.
Variant type: single nucleotide variant.
Coding change: c.990G>A on transcript NM_003074.4 (MANE Select); coding-DNA position 990, G replaced by A.
Protein change: p.Ser330=; no amino-acid change (serine 330 retained).
Molecular consequence: synonymous variant.
Genome position (GRCh38, 1-based): chr3:47,706,459, C>T on the plus strand (G>A on the coding strand, the complement: SMARCC1 is on the minus strand). VCF-style: chr3-47706459-C-T. GRCh37 (hg19) VCF-style: chr3-47747949-C-T.
Identifiers: ClinVar variation 4873680 (VCV004873680.2).